The following is an entry in ClinVar:

ClinVar aggregate classification (germline): Uncertain significance (1 of 4 stars; one submission).

Conditions:
Cardiovascular phenotype. Identifiers: MedGen CN230736.

Submission:

Ambry Genetics
Classification: Uncertain significance for Cardiovascular phenotype. Last evaluated: 2025-07-08. Review status: criteria provided, single submitter. Criteria: Ambry Variant Classification Scheme 2023. Collection method: clinical testing. Allele origin: germline.
Comment: The p.A1090T variant (also known as c.3268G>A), located in coding exon 28 of the RYR2 gene, results from a G to A substitution at nucleotide position 3268. The alanine at codon 1090 is replaced by threonine, an amino acid with similar properties. This amino acid position is well conserved in available vertebrate species. In addition, the in silico prediction for this alteration is inconclusive. Based on the available evidence, the clinical significance of this variant remains unclear.

NM_001035.3(RYR2):c.3268G>A (p.Ala1090Thr)

Gene: RYR2 (ryanodine receptor 2; plus strand). Cytogenetic location: 1q43.
Variant type: single nucleotide variant.
Coding change: c.3268G>A on transcript NM_001035.3 (MANE Select); coding-DNA position 3268, G replaced by A.
Protein change: p.Ala1090Thr; replaces alanine 1090 with threonine.
Molecular consequence: missense variant.
Genome position (GRCh38, 1-based): chr1:237,566,620, G>A. VCF-style: chr1-237566620-G-A. GRCh37 (hg19) VCF-style: chr1-237729920-G-A.
Other names: short protein forms A1090T.
Identifiers: ClinVar variation 4158425 (VCV004158425.1).